The following is an entry in ClinVar:

NM_001386140.1(MTTP):c.501+3A>T

Gene: MTTP (microsomal triglyceride transfer protein; plus strand). Cytogenetic location: 4q23.
Variant type: single nucleotide variant.
Coding change: c.501+3A>T on transcript NM_001386140.1 (MANE Select); 3 bases into the intron after coding-DNA position 501, A replaced by T.
Molecular consequence: intron variant.
Genome position (GRCh38, 1-based): chr4:99,589,753, A>T. VCF-style: chr4-99589753-A-T. GRCh37 (hg19) VCF-style: chr4-100510910-A-T.
Other names: c.501+3A>T (NM_000253.4); c.252+3A>T (NM_001300785.2).
Identifiers: ClinVar variation 2682865 (VCV002682865.1), dbSNP rs2476103155, ClinGen allele CA2578152201.

ClinVar aggregate classification (germline): Uncertain significance (1 of 4 stars; one submission).

Submission:

Mayo Clinic Laboratories, Mayo Clinic
Classification: Uncertain significance. Last evaluated: 2022-03-09. Review status: criteria provided, single submitter. Criteria: ACMG Guidelines, 2015. Collection method: clinical testing. Allele origin: germline. Observed: 1 variant allele.
Comment: PP3, PM2